The following is an entry in ClinVar:

ClinVar aggregate classification (germline): Likely benign. Review status: criteria provided, multiple submitters, no conflicts (2 of 4 stars). 2 submissions from 2 submitters: Likely benign (2). Last evaluated 2024-05-07.

Conditions:
HNSHA due to aldolase A deficiency (GSD12). Also called: GLYCOGEN STORAGE DISEASE XII; GSD XII; RED CELL ALDOLASE DEFICIENCY; Glycogen storage disease due to aldolase A deficiency. Identifiers: Orphanet 57, MedGen C0272066, MONDO:0012747, OMIM 611881.

Allele frequency attached by ClinVar (database versions not stated): gnomAD exomes 0.00001; TOPMed 0.00002; gnomAD 0.00003.
gnomAD v4.1: 5 of 1,614,012 alleles (0.00031%); highest among the groups gnomAD compares: Admixed American, 0.0017%; no homozygotes.

Submissions (2):

Labcorp Genetics (formerly Invitae), Labcorp
Classification: Likely benign for HNSHA due to aldolase A deficiency. Last evaluated: 2024-05-07. Review status: criteria provided, single submitter. Criteria: Invitae Variant Classification Sherloc (09022015). Collection method: clinical testing. Allele origin: germline.

GeneDx
Classification: Likely benign. Last evaluated: 2016-09-06. Review status: criteria provided, single submitter. Criteria: GeneDx Variant Classification (06012015). Collection method: clinical testing. Allele origin: germline. Affected: yes.
Comment: This variant is considered likely benign or benign based on one or more of the following criteria: it is a conservative change, it occurs at a poorly conserved position in the protein, it is predicted to be benign by multiple in silico algorithms, and/or has population frequency not consistent with disease.

NM_001243177.4(ALDOA):c.487-9C>T

Genes: ALDOA (aldolase, fructose-bisphosphate A; plus strand), LOC112694756 (uncharaterized LOC112694756; plus strand). Cytogenetic location: 16p11.2.
Variant type: single nucleotide variant.
Coding change: c.487-9C>T on transcript NM_001243177.4 (MANE Select); 9 bases into the intron before coding-DNA position 487, C replaced by T.
Molecular consequence: intron variant.
Genome position (GRCh38, 1-based): chr16:30,068,637, C>T. VCF-style: chr16-30068637-C-T. GRCh37 (hg19) VCF-style: chr16-30079958-C-T.
Other names: c.*834-9C>T (NM_001365307.2, NM_001365305.2, NM_001365304.2); c.325-9C>T (NM_184043.2, NM_001127617.2, NM_184041.5).
Identifiers: ClinVar variation 388874 (VCV000388874.5), dbSNP rs1057523259, ClinGen allele CA16607405.